The following is an entry in ClinVar:

ClinVar aggregate classification (germline): Uncertain significance (1 of 4 stars; one submission).

Conditions:
Bardet-Biedl syndrome (BBS). Identifiers: Orphanet 110, MedGen C0752166, MONDO:0015229.

Allele frequency attached by ClinVar (database versions not stated): TOPMed below 0.00001.

Submission:

Labcorp Genetics (formerly Invitae), Labcorp
Classification: Uncertain significance for Bardet-Biedl syndrome. Last evaluated: 2021-04-08. Review status: criteria provided, single submitter. Criteria: Invitae Variant Classification Sherloc (09022015). Collection method: clinical testing. Allele origin: germline.
Comment: In summary, the available evidence is currently insufficient to determine the role of this variant in disease. Therefore, it has been classified as a Variant of Uncertain Significance. Algorithms developed to predict the effect of missense changes on protein structure and function are either unavailable or do not agree on the potential impact of this missense change (SIFT: "Deleterious"; PolyPhen-2: "Benign"; Align-GVGD: "Class C35"). This variant has not been reported in the literature in individuals with BBS12-related conditions. This variant is not present in population databases (ExAC no frequency). This sequence change replaces glutamic acid with alanine at codon 657 of the BBS12 protein (p.Glu657Ala). The glutamic acid residue is highly conserved and there is a moderate physicochemical difference between glutamic acid and alanine.

NM_152618.3(BBS12):c.1970A>C (p.Glu657Ala)

Gene: BBS12 (Bardet-Biedl syndrome 12; plus strand). Cytogenetic location: 4q27.
Variant type: single nucleotide variant.
Coding change: c.1970A>C on transcript NM_152618.3 (MANE Select); coding-DNA position 1970, A replaced by C.
Protein change: p.Glu657Ala; replaces glutamic acid 657 with alanine.
Molecular consequence: missense variant.
Genome position (GRCh38, 1-based): chr4:122,743,862, A>C. VCF-style: chr4-122743862-A-C. GRCh37 (hg19) VCF-style: chr4-123665017-A-C.
Other names: c.1970A>C, p.Glu657Ala (NM_001178007.2); short protein forms E657A.
Identifiers: ClinVar variation 1397764 (VCV001397764.8), dbSNP rs1800940912, ClinGen allele CA358226279.